The following is an entry in ClinVar:

ClinVar aggregate classification (germline): Uncertain significance (1 of 4 stars; one submission).

Conditions:
Hereditary cancer-predisposing syndrome. Also called: Neoplastic Syndromes, Hereditary; Tumor predisposition; Hereditary neoplastic syndrome; Hereditary Cancer Syndrome. Identifiers: Orphanet 140162, MedGen C0027672, MeSH D009386, MONDO:0015356.

Submission:

Ambry Genetics
Classification: Uncertain significance for Hereditary cancer-predisposing syndrome. Last evaluated: 2023-12-31. Review status: criteria provided, single submitter. Criteria: Ambry Variant Classification Scheme 2023. Collection method: clinical testing. Allele origin: germline.
Comment: The p.G1581V variant (also known as c.4742G>T), located in coding exon 37 of the POLE gene, results from a G to T substitution at nucleotide position 4742. The glycine at codon 1581 is replaced by valine, an amino acid with dissimilar properties. This amino acid position is conserved. In addition, this alteration is predicted to be deleterious by in silico analysis. Since supporting evidence is limited at this time, the clinical significance of this alteration remains unclear.

NM_006231.4(POLE):c.4742G>T (p.Gly1581Val)

Gene: POLE (DNA polymerase epsilon, catalytic subunit; minus strand). Cytogenetic location: 12q24.33.
Variant type: single nucleotide variant.
Coding change: c.4742G>T on transcript NM_006231.4 (MANE Select); coding-DNA position 4742, G replaced by T.
Protein change: p.Gly1581Val; replaces glycine 1581 with valine.
Molecular consequence: missense variant.
Genome position (GRCh38, 1-based): chr12:132,642,716, C>A on the plus strand (G>T on the coding strand, the complement: POLE is on the minus strand). VCF-style: chr12-132642716-C-A. GRCh37 (hg19) VCF-style: chr12-133219302-C-A.
Other names: short protein forms G1581V.
Identifiers: ClinVar variation 3225465 (VCV003225465.1), dbSNP rs2138536852, ClinGen allele CA387378536.